The following is an entry in ClinVar:

NM_000334.4(SCN4A):c.3937A>G (p.Thr1313Ala)

Genes: GH-LCR (growth hormone locus control region; plus strand), SCN4A (sodium voltage-gated channel alpha subunit 4; minus strand). Cytogenetic location: 17q23.3.
Variant type: single nucleotide variant.
Coding change: c.3937A>G on transcript NM_000334.4 (MANE Select); coding-DNA position 3937, A replaced by G.
Protein change: p.Thr1313Ala; replaces threonine 1313 with alanine.
Molecular consequence: missense variant.
Genome position (GRCh38, 1-based): chr17:63,943,826, T>C on the plus strand (A>G on the coding strand, the complement: SCN4A is on the minus strand). VCF-style: chr17-63943826-T-C. GRCh37 (hg19) VCF-style: chr17-62021186-T-C.
Other names: short protein forms T1313A.
Identifiers: ClinVar variation 2736637 (VCV002736637.3), dbSNP rs2509287979, ClinGen allele CA400617124.
Genomic context (GRCh38, chr17:63,943,826, plus strand): 5'-TCTGAGGCTTCTTGGAGCCAAGCTTCTTCATGGCGTTATAGTATTTCTTCTGTTCCTCCG[T>C]CATAAAGATGTCTTTCCCCCCTAAGTATAGTGGGATAGGGCTTGTCAGGTTGAGGTGCAG-3'
Protein context (NP_000325.4, residues 1303-1323): KKLGGKDIFM[Thr1313Ala]EEQKKYYNAM

ClinVar aggregate classification (germline): Pathogenic (1 of 4 stars; one submission).

Conditions:
Hyperkalemic periodic paralysis. Also called: Familial hyperkalemic periodic paralysis; Gamstorp disease. Identifiers: Orphanet 682, MedGen C0238357, MONDO:0008224, OMIM 170500, HP:0007215.

Submission:

Labcorp Genetics (formerly Invitae), Labcorp
Classification: Pathogenic for Hyperkalemic periodic paralysis. Last evaluated: 2023-11-14. Review status: criteria provided, single submitter. Criteria: Invitae Variant Classification Sherloc (09022015). Collection method: clinical testing. Allele origin: germline.
Comment: This sequence change replaces threonine, which is neutral and polar, with alanine, which is neutral and non-polar, at codon 1313 of the SCN4A protein (p.Thr1313Ala). This variant is not present in population databases (gnomAD no frequency). This missense change has been observed in individuals with hypokalemic periodic paralysis and/or paramyotonia congenita (PMID: 14617673; Invitae). Advanced modeling of protein sequence and biophysical properties (such as structural, functional, and spatial information, amino acid conservation, physicochemical variation, residue mobility, and thermodynamic stability) performed at Invitae indicates that this missense variant is expected to disrupt SCN4A protein function with a positive predictive value of 95%. Experimental studies have shown that this missense change affects SCN4A function (PMID: 14617673). This variant disrupts the p.Thr1313 amino acid residue in SCN4A. Other variant(s) that disrupt this residue have been determined to be pathogenic (PMID: 1310898, 7809121, 8910215, 14518676, 19770477, 21220685). This suggests that this residue is clinically significant, and that variants that disrupt this residue are likely to be disease-causing. For these reasons, this variant has been classified as Pathogenic.

Literature cited by the submitters: PubMed 14617673; PubMed 1310898; PubMed 7809121; PubMed 8910215; PubMed 14518676; PubMed 19770477; PubMed 21220685.